The following is an entry in ClinVar:

NC_000001.11:g.(?_99921514)_(99921671_?)del

Gene: AGL (amylo-alpha-1,6-glucosidase and 4-alpha-glucanotransferase; plus strand). Cytogenetic location: 1p21.2.
Variant type: Deletion.
Identifiers: ClinVar variation 831581 (VCV000831581.6).

ClinVar aggregate classification (germline): Likely pathogenic (1 of 4 stars; one submission).

Conditions:
Glycogen storage disease type III (GSD3). Also called: FORBES DISEASE; Cori disease. Identifiers: Orphanet 366, MedGen C0017922, MONDO:0009291, OMIM 232400.

Submission:

Labcorp Genetics (formerly Invitae), Labcorp
Classification: Likely pathogenic for Glycogen storage disease type III. Last evaluated: 2021-08-04. Review status: criteria provided, single submitter. Criteria: Invitae Variant Classification Sherloc (09022015). Collection method: clinical testing. Allele origin: germline.
Comment: This variant is a gross deletion of the genomic region encompassing exon(s) 34 of the AGL gene. While this deletion is not anticipated to lead to nonsense mediated decay, it is expected to disrupt the C-terminus of the protein. A similar copy number variant has been observed in individual(s) with glycogen storage disease type III (Invitae). In at least one individual the data is consistent with the variant being in trans (on the opposite chromosome) from a pathogenic variant. In summary, the currently available evidence indicates that the variant is pathogenic, but additional data are needed to prove that conclusively. Therefore, this variant has been classified as Likely Pathogenic.